The following is an entry in ClinVar:

NM_001291867.2(NHS):c.1246G>C (p.Asp416His)

Gene: NHS (NHS actin remodeling regulator; plus strand). Cytogenetic location: Xp22.13.
Variant type: single nucleotide variant.
Coding change: c.1246G>C on transcript NM_001291867.2 (MANE Select); coding-DNA position 1246, G replaced by C.
Protein change: p.Asp416His; replaces aspartic acid 416 with histidine.
Molecular consequence: missense variant.
Genome position (GRCh38, 1-based): chrX:17,725,352, G>C. VCF-style: chrX-17725352-G-C. GRCh37 (hg19) VCF-style: chrX-17743472-G-C.
Other names: c.1183G>C (NM_198270.2, NM_198270.3); c.715G>C, p.Asp239His (NM_001136024.4); c.652G>C, p.Asp218His (NM_001291868.2); c.1183G>C, p.Asp395His (NM_198270.4); short protein forms D239H, D218H, D395H, D416H.
Identifiers: ClinVar variation 2900547 (VCV002900547.6), dbSNP rs748064561, ClinGen allele CA10358602.

ClinVar aggregate classification (germline): Likely benign. Review status: criteria provided, multiple submitters, no conflicts (2 of 4 stars). 3 submissions from 3 submitters: Likely benign (2). 1 of the submissions does not count toward it. Last evaluated 2025-04-10.

Conditions:
Inborn genetic diseases. Identifiers: MedGen C0950123, MeSH D030342.
NHS-related disorder. Also called: NHS-related condition.
Nance-Horan syndrome (NHS). Identifiers: Orphanet 627, MedGen C0796085, MONDO:0010545, OMIM 302350.

Allele frequency attached by ClinVar (database versions not stated): ExAC 0.00001; gnomAD exomes 0.00001; TOPMed 0.00002; gnomAD 0.00004.
gnomAD v4.1: 19 of 1,204,733 alleles (0.0016%); highest among the groups gnomAD compares: Non-Finnish European, 0.0021%; no homozygotes.

Submissions (3):

Ambry Genetics
Classification: Likely benign for Inborn genetic diseases. Last evaluated: 2025-04-10. Review status: criteria provided, single submitter. Criteria: Ambry Variant Classification Scheme 2023. Collection method: clinical testing. Allele origin: germline.

Labcorp Genetics (formerly Invitae), Labcorp
Classification: Likely benign for Nance-Horan syndrome. Last evaluated: 2023-11-11. Review status: criteria provided, single submitter. Criteria: Invitae Variant Classification Sherloc (09022015). Collection method: clinical testing. Allele origin: germline.

PreventionGenetics, part of Exact Sciences
Classification: Likely benign for NHS-related condition. Last evaluated: 2024-02-13. Review status: no assertion criteria provided. Collection method: clinical testing. Allele origin: germline. Not counted in ClinVar's aggregate classification.
Comment: This variant is classified as likely benign based on ACMG/AMP sequence variant interpretation guidelines (Richards et al. 2015 PMID: 25741868, with internal and published modifications).